The following is an entry in ClinVar:

ClinVar aggregate classification (germline): Benign/Likely benign. Review status: criteria provided, multiple submitters, no conflicts (2 of 4 stars). 5 submissions from 5 submitters: Benign (1); Likely benign (4). Last evaluated 2026-01-13.

Conditions:
Spinocerebellar ataxia type 35. Identifiers: Orphanet 276193, MedGen C3888031, MONDO:0013485, OMIM 613908.

Allele frequency attached by ClinVar (database versions not stated): ExAC 0.00011; gnomAD exomes 0.00011 and 0.00016; gnomAD 0.00013 and 0.00014; TOPMed 0.00015; ESP Exome Variant Server 0.00031.

Submissions (5):

Women's Health and Genetics/Laboratory Corporation of America, LabCorp
Classification: Likely benign. Last evaluated: 2026-01-13. Review status: criteria provided, single submitter. Criteria: LabCorp Variant Classification Summary - May 2015. Collection method: clinical testing. Allele origin: germline.
Comment: Variant summary: TGM6 c.379C>T (p.Arg127Trp) results in a non-conservative amino acid change in the encoded protein sequence. Algorithms developed to predict the effect of missense changes on protein structure and function are either unavailable or do not agree on the potential impact of this missense change. The variant allele was found at a frequency of 0.00011 in 251484 control chromosomes. c.379C>T has been observed in individual(s) affected with Cerebellar Ataxia (Sun_2019). These report(s) do not provide unequivocal conclusions about association of the variant with Spinocerebellar Ataxia 35. To our knowledge, no experimental evidence demonstrating an impact on protein function has been reported. The following publication have been ascertained in the context of this evaluation (PMID: 29915382). ClinVar contains an entry for this variant (Variation ID: 448675). Based on the evidence outlined above, the variant was classified as likely benign.

CeGaT Center for Human Genetics Tuebingen
Classification: Likely benign. Last evaluated: 2025-06-01. Review status: criteria provided, single submitter. Criteria: CeGaT Center For Human Genetics Tuebingen Variant Classification Criteria Version 2. Collection method: clinical testing. Allele origin: germline. Affected: yes. Observed: 1 variant allele.
Comment: TGM6: BP4, BS1

Athena Diagnostics
Classification: Benign. Last evaluated: 2024-07-30. Review status: criteria provided, single submitter. Criteria: Athena Diagnostics Criteria. Collection method: clinical testing. Allele origin: unknown.

Labcorp Genetics (formerly Invitae), Labcorp
Classification: Likely benign. Last evaluated: 2022-11-22. Review status: criteria provided, single submitter. Criteria: Invitae Variant Classification Sherloc (09022015). Collection method: clinical testing. Allele origin: germline.

Illumina Laboratory Services, Illumina
Classification: Likely benign for Spinocerebellar ataxia type 35. Last evaluated: 2018-01-12. Review status: criteria provided, single submitter. Criteria: ICSL Variant Classification Criteria 13 December 2019. Collection method: clinical testing. Allele origin: germline.
Comment: This variant was observed in the ICSL laboratory as part of a predisposition screen in an ostensibly healthy population. It had not been previously curated by ICSL or reported in the Human Gene Mutation Database (HGMD: prior to June 1st, 2018), and was therefore a candidate for classification through an automated scoring system. Utilizing variant allele frequency, disease prevalence and penetrance estimates, and inheritance mode, an automated score was calculated to assess if this variant is too frequent to cause the disease. Based on the score and internal cut-off values, a variant classified as likely benign is not then subjected to further curation. The score for this variant resulted in a classification of likely benign for this disease.

Literature cited by the submitters: PubMed 29915382 (cited by Women's Health and Genetics/Laboratory Corporation of America, LabCorp and Athena Diagnostics).

NM_198994.3(TGM6):c.379C>T (p.Arg127Trp)

Gene: TGM6 (transglutaminase 6; plus strand). Cytogenetic location: 20p13.
Variant type: single nucleotide variant.
Coding change: c.379C>T on transcript NM_198994.3 (MANE Select); coding-DNA position 379, C replaced by T.
Protein change: p.Arg127Trp; replaces arginine 127 with tryptophan.
Molecular consequence: missense variant.
Genome position (GRCh38, 1-based): chr20:2,395,391, C>T. VCF-style: chr20-2395391-C-T. GRCh37 (hg19) VCF-style: chr20-2376037-C-T.
Other names: c.379C>T, p.Arg127Trp (NM_001254734.2); short protein forms R127W.
Identifiers: ClinVar variation 448675 (VCV000448675.23), dbSNP rs148854519, ClinGen allele CA9731621.